The following is an entry in ClinVar:

ClinVar aggregate classification (germline): Uncertain significance (1 of 4 stars; one submission).

Submission:

GeneDx
Classification: Uncertain significance. Last evaluated: 2019-08-20. Review status: criteria provided, single submitter. Criteria: GeneDx Variant Classification Process June 2021. Collection method: clinical testing. Allele origin: germline. Affected: yes.
Comment: Not observed in large population cohorts (Lek et al., 2016); In silico analysis, which includes splice predictors and evolutionary conservation, supports a deleterious effect predicting that a cryptic splice donor site (SDS) is created upstream of the natural SDS which is stronger than the natural donor site; Has not been previously published as pathogenic or benign to our knowledge

NM_002547.3(OPHN1):c.1510A>G (p.Ile504Val)

Gene: OPHN1 (oligophrenin 1; minus strand). Cytogenetic location: Xq12.
Variant type: single nucleotide variant.
Coding change: c.1510A>G on transcript NM_002547.3 (MANE Select); coding-DNA position 1510, A replaced by G.
Protein change: p.Ile504Val; replaces isoleucine 504 with valine.
Molecular consequence: missense variant.
Genome position (GRCh38, 1-based): chrX:68,111,870, T>C on the plus strand (A>G on the coding strand, the complement: OPHN1 is on the minus strand). VCF-style: chrX-68111870-T-C. GRCh37 (hg19) VCF-style: chrX-67331712-T-C.
Other names: short protein forms I504V.
Identifiers: ClinVar variation 1307966 (VCV001307966.2), dbSNP rs2147429647, ClinGen allele CA413431580.
Genomic context (GRCh38, chrX:68,111,870, plus strand): 5'-GTCCTCTAATAGGAACTTTTTCTGAAAATCCAGCAGTTACTTACTTGACCAAGTGTCTTA[T>C]CAGAAGTTCCAGCATCTCTCGGTTCTTTTCTGGTAGCTTATATACCAGGGAGTGAATAGC-3'
Protein context (NP_002538.1, residues 494-514): EKNREMLELL[Ile504Val]RHLVNVCEHS